The following is an entry in ClinVar:

NM_001165963.4(SCN1A):c.1152G>A (p.Trp384Ter)

Gene: SCN1A (sodium voltage-gated channel alpha subunit 1; minus strand). Cytogenetic location: 2q24.3.
Variant type: single nucleotide variant.
Coding change: c.1152G>A on transcript NM_001165963.4 (MANE Select); coding-DNA position 1152, G replaced by A.
Protein change: p.Trp384Ter; replaces tryptophan 384 with a stop codon.
Molecular consequence: nonsense. On other transcripts: 5 prime UTR variant (1), non-coding transcript variant (1).
Genome position (GRCh38, 1-based): chr2:166,047,645, C>T on the plus strand (G>A on the coding strand, the complement: SCN1A is on the minus strand). VCF-style: chr2-166047645-C-T. GRCh37 (hg19) VCF-style: chr2-166904155-C-T.
Other names: c.1152G>A, p.Trp384Ter (NM_001165964.3, NM_001202435.3, NM_001353948.2 and 10 more transcripts); c.-1274G>A (NM_001353961.2); short protein forms W384*.
Identifiers: ClinVar variation 3720378 (VCV003720378.2).

ClinVar aggregate classification (germline): Pathogenic (1 of 4 stars; one submission).

Conditions:
Early-infantile DEE. Also called: Ohtahara syndrome; Early infantile epileptic encephalopathy with suppression bursts; Early infantile epileptic encephalopathy. Identifiers: Orphanet 1934, MedGen C0393706, MONDO:0800491.

Submission:

Labcorp Genetics (formerly Invitae), Labcorp
Classification: Pathogenic for Early-infantile DEE. Last evaluated: 2024-10-25. Review status: criteria provided, single submitter. Criteria: Invitae Variant Classification Sherloc (09022015). Collection method: clinical testing. Allele origin: germline.
Comment: This sequence change creates a premature translational stop signal (p.Trp384*) in the SCN1A gene. It is expected to result in an absent or disrupted protein product. Loss-of-function variants in SCN1A are known to be pathogenic (PMID: 17347258, 18930999). This variant is not present in population databases (gnomAD no frequency). This premature translational stop signal has been observed in individual(s) with severe myoclonic epilepsy of infancy (PMID: 17347258). Algorithms developed to predict the effect of sequence changes on RNA splicing suggest that this variant may disrupt the consensus splice site. For these reasons, this variant has been classified as Pathogenic.

Literature cited by the submitters: PubMed 17347258; PubMed 18930999.